The following is an entry in ClinVar:

ClinVar aggregate classification (germline): Uncertain significance (1 of 4 stars; one submission).

Conditions:
Epilepsy, familial adult myoclonic, 6. Also called: BENIGN ADULT FAMILIAL MYOCLONIC EPILEPSY 6; CORTICAL MYOCLONIC TREMOR WITH EPILEPSY, FAMILIAL, 6. Identifiers: MedGen C4748079, MONDO:0054846, OMIM 618074.

Submission:

Dasa
Classification: Uncertain significance for Epilepsy, familial adult myoclonic, 6. Last evaluated: 2026-01-26. Review status: criteria provided, single submitter. Criteria: DASA Assertion Criteria. Collection method: clinical testing. Allele origin: germline.
Comment: NM_014494.4(TNRC6A):c.112_113del (p.Lys38Glufs*12) is a frameshift variant in TNRC6A predicted to alter the reading frame and introduce a premature termination codon. This variant is rare in population databases. The currently available literature and clinical evidence are not sufficient to establish a definitive association between this variant and the reported condition. Therefore, this variant is classified as a variant of uncertain significance.

NM_014494.4(TNRC6A):c.112_113del (p.Lys38fs)

Gene: TNRC6A (trinucleotide repeat containing adaptor 6A; plus strand). Cytogenetic location: 16p12.1.
Variant type: Deletion.
Coding change: c.112_113del on transcript NM_014494.4 (MANE Select); coding-DNA positions 112 to 113, 2 bases deleted (AA; older notation c.112_113delAA).
Protein change: p.Lys38fs; shifts the reading frame from lysine 38.
Molecular consequence: frameshift variant.
Genome position (GRCh38, 1-based): chr16:24,750,784-24,750,785, AA deleted. VCF-style (leftmost placement, unchanged base first): chr16-24750783-CAA-C. GRCh37 (hg19) VCF-style: chr16-24762104-CAA-C.
Other names: c.112_113del, p.Lys38fs (NM_001330520.3); c.139_140del, p.Lys47fs (NM_001351850.2); short protein forms K38fs, K47fs.
Identifiers: ClinVar variation 4883985 (VCV004883985.2).